The following is an entry in ClinVar:

ClinVar aggregate classification (germline): Pathogenic (1 of 4 stars; one submission).

Submission:

CeGaT Center for Human Genetics Tuebingen
Classification: Pathogenic. Last evaluated: 2022-06-01. Review status: criteria provided, single submitter. Criteria: CeGaT Center For Human Genetics Tuebingen Variant Classification Criteria Version 2. Collection method: clinical testing. Allele origin: germline. Affected: yes. Observed: 1 variant allele.
Comment: KMT2C: PVS1, PM2

NM_170606.3(KMT2C):c.739+1G>A

Gene: KMT2C (lysine methyltransferase 2C; minus strand). Cytogenetic location: 7q36.1.
Variant type: single nucleotide variant.
Coding change: c.739+1G>A on transcript NM_170606.3 (MANE Select); the canonical splice donor site of the intron after coding-DNA position 739, G replaced by A.
Molecular consequence: splice donor variant.
Genome position (GRCh38, 1-based): chr7:152,311,797, C>T on the plus strand (G>A on the coding strand, the complement: KMT2C is on the minus strand). VCF-style: chr7-152311797-C-T. GRCh37 (hg19) VCF-style: chr7-152008882-C-T.
Identifiers: ClinVar variation 1695217 (VCV001695217.31), dbSNP rs2129200410, ClinGen allele CA370196462.